The following is an entry in ClinVar:

ClinVar aggregate classification (germline): Likely benign. Review status: criteria provided, multiple submitters, no conflicts (2 of 4 stars). 2 submissions from 2 submitters: Likely benign (2). Last evaluated 2025-07-30.

Conditions:
Frontotemporal dementia (FTD1). Also called: Dementia, frontotemporal, with or without parkinsonism; Frontotemporal Dementia with Parkinsonism-17 (FTDP-17); FRONTOTEMPORAL DEMENTIA WITH PARKINSONISM; FRONTOTEMPORAL LOBE DEMENTIA; WILHELMSEN-LYNCH DISEASE; Frontotemporal lobe dementia (FLDEM). Identifiers: Orphanet 282, MedGen C0338451, MONDO:0017276, OMIM 600274, HP:0002145.
MAPT-related disorder. Also called: MAPT-related condition; MAPT-Related Disorders.

Allele frequency attached by ClinVar (database versions not stated): gnomAD exomes below 0.00001 and 0.00002; ExAC 0.00001; gnomAD 0.00001; TOPMed 0.00001.
gnomAD v4.1: 30 of 1,613,772 alleles (0.0019%); highest among the groups gnomAD compares: Non-Finnish European, 0.0024%; no homozygotes.

Submissions (2):

Labcorp Genetics (formerly Invitae), Labcorp
Classification: Likely benign for Frontotemporal dementia. Last evaluated: 2025-07-30. Review status: criteria provided, single submitter. Criteria: Invitae Variant Classification Sherloc (09022015). Collection method: clinical testing. Allele origin: germline.

PreventionGenetics, part of Exact Sciences
Classification: Likely benign for MAPT-related condition. Last evaluated: 2025-04-09. Review status: criteria provided, single submitter. Criteria: ACMG Guidelines, 2015. Collection method: clinical testing. Allele origin: germline.
Comment: This variant is classified as likely benign based on ACMG/AMP sequence variant interpretation guidelines (Richards et al. 2015 PMID: 25741868, with internal and published modifications).

NM_001377265.1(MAPT):c.1356C>A (p.Arg452=)

Gene: MAPT (microtubule associated protein tau). Cytogenetic location: 17q21.31.
Variant type: single nucleotide variant.
Coding change: c.1356C>A on transcript NM_001377265.1 (MANE Select); coding-DNA position 1356, C replaced by A.
Protein change: p.Arg452=; no amino-acid change (arginine 452 retained).
Molecular consequence: synonymous variant. On other transcripts: non-coding transcript variant (1).
Genome position (GRCh38, 1-based): chr17:45,987,044, C>A. VCF-style: chr17-45987044-C-A. GRCh37 (hg19) VCF-style: chr17-44064410-C-A.
Other names: c.1131C>A (NM_001123066.3); c.1131C>A, p.Arg377= (NM_001123066.4, NM_016835.5); c.291C>A, p.Arg97= (NM_001123067.4, NM_001203251.2, NM_001377267.1); c.378C>A, p.Arg126= (NM_001203252.2, NM_005910.6); c.1356C>A, p.Arg452= (NM_001377266.1); c.204C>A, p.Arg68= (NM_001377268.1, NM_016834.5, NM_016841.5).
Identifiers: ClinVar variation 529749 (VCV000529749.10), dbSNP rs776028517, ClinGen allele CA8617862.